The following is an entry in ClinVar:

NM_004360.5(CDH1):c.2437G>C (p.Glu813Gln)

Gene: CDH1 (cadherin 1; plus strand). Cytogenetic location: 16q22.1.
Variant type: single nucleotide variant.
Coding change: c.2437G>C on transcript NM_004360.5 (MANE Select); coding-DNA position 2437, G replaced by C.
Protein change: p.Glu813Gln; replaces glutamic acid 813 with glutamine.
Molecular consequence: missense variant.
Genome position (GRCh38, 1-based): chr16:68,829,795, G>C. VCF-style: chr16-68829795-G-C. GRCh37 (hg19) VCF-style: chr16-68863698-G-C.
Other names: c.889G>C, p.Glu297Gln (NM_001317185.2); c.2254G>C, p.Glu752Gln (NM_001317184.2); c.472G>C, p.Glu158Gln (NM_001317186.2); short protein forms E158Q, E813Q, E297Q, E752Q.
Identifiers: ClinVar variation 4632671 (VCV004632671.1).

ClinVar aggregate classification (germline): Uncertain significance (1 of 4 stars; one submission).

Conditions:
Hereditary cancer-predisposing syndrome. Also called: Neoplastic Syndromes, Hereditary; Tumor predisposition; Hereditary Cancer Syndrome; Hereditary neoplastic syndrome. Identifiers: Orphanet 140162, MedGen C0027672, MeSH D009386, MONDO:0015356.

Submission:

Ambry Genetics
Classification: Uncertain significance for Hereditary cancer-predisposing syndrome. Last evaluated: 2025-11-04. Review status: criteria provided, single submitter. Criteria: Ambry Variant Classification Scheme 2023. Collection method: clinical testing. Allele origin: germline.
Comment: The p.E813Q variant (also known as c.2437G>C), located in coding exon 15 of the CDH1 gene, results from a G to C substitution at nucleotide position 2437. The glutamic acid at codon 813 is replaced by glutamine, an amino acid with highly similar properties. This amino acid position is conserved. In addition, the in silico prediction for this alteration is inconclusive. Based on the available evidence, the clinical significance of this variant remains unclear.